The following is an entry in ClinVar:

NM_144991.3(TSPEAR):c.1714G>C (p.Ala572Pro)

Genes: TSPEAR (thrombospondin type laminin G domain and EAR repeats; minus strand), TSPEAR-AS1 (TSPEAR antisense RNA 1; plus strand), LOC126653398 (CDK7 strongly-dependent group 2 enhancer GRCh37_chr21:45928270-45929469; plus strand). Cytogenetic location: 21q22.3.
Variant type: single nucleotide variant.
Coding change: c.1714G>C on transcript NM_144991.3 (MANE Select); coding-DNA position 1714, G replaced by C.
Protein change: p.Ala572Pro; replaces alanine 572 with proline.
Molecular consequence: missense variant.
Genome position (GRCh38, 1-based): chr21:44,509,239, C>G on the plus strand (G>C on the coding strand, the complement: TSPEAR is on the minus strand). VCF-style: chr21-44509239-C-G. GRCh37 (hg19) VCF-style: chr21-45929122-C-G.
Other names: c.1510G>C, p.Ala504Pro (NM_001272037.2); short protein forms A504P, A572P.
Identifiers: ClinVar variation 1431593 (VCV001431593.10), dbSNP rs140706843, ClinGen allele CA10056410.

ClinVar aggregate classification (germline): Uncertain significance. Review status: criteria provided, multiple submitters, no conflicts (2 of 4 stars). 2 submissions from 2 submitters: Uncertain significance (2). Last evaluated 2023-05-04.

gnomAD v4.1: 67 of 1,613,924 alleles (0.0042%); highest among the groups gnomAD compares: Non-Finnish European, 0.0054%; no homozygotes.

Submissions (2):

GeneDx
Classification: Uncertain significance. Last evaluated: 2023-05-04. Review status: criteria provided, single submitter. Criteria: GeneDx Variant Classification Process June 2021. Collection method: clinical testing. Allele origin: germline.
Comment: Has not been previously published as pathogenic or benign to our knowledge; Not observed at significant frequency in large population cohorts (gnomAD); In silico analysis supports that this missense variant does not alter protein structure/function

Labcorp Genetics (formerly Invitae), Labcorp
Classification: Uncertain significance. Last evaluated: 2021-05-29. Review status: criteria provided, single submitter. Criteria: Invitae Variant Classification Sherloc (09022015). Collection method: clinical testing. Allele origin: germline.
Comment: In summary, the available evidence is currently insufficient to determine the role of this variant in disease. Therefore, it has been classified as a Variant of Uncertain Significance. Algorithms developed to predict the effect of missense changes on protein structure and function are either unavailable or do not agree on the potential impact of this missense change (SIFT: "Deleterious"; PolyPhen-2: "Possibly Damaging"; Align-GVGD: "Class C0"). This variant has not been reported in the literature in individuals with TSPEAR-related conditions. This variant is present in population databases (rs140706843, ExAC 0.002%). This sequence change replaces alanine with proline at codon 572 of the TSPEAR protein (p.Ala572Pro). The alanine residue is moderately conserved and there is a small physicochemical difference between alanine and proline.